The following is an entry in ClinVar:

NM_020937.4(FANCM):c.5749A>T (p.Ser1917Cys)

Gene: FANCM (FA complementation group M; plus strand). Cytogenetic location: 14q21.2.
Variant type: single nucleotide variant.
Coding change: c.5749A>T on transcript NM_020937.4 (MANE Select); coding-DNA position 5749, A replaced by T.
Protein change: p.Ser1917Cys; replaces serine 1917 with cysteine.
Molecular consequence: missense variant.
Genome position (GRCh38, 1-based): chr14:45,198,676, A>T. VCF-style: chr14-45198676-A-T. GRCh37 (hg19) VCF-style: chr14-45667879-A-T.
Other names: c.5671A>T, p.Ser1891Cys (NM_001308133.2); short protein forms S1891C, S1917C.
Identifiers: ClinVar variation 4619428 (VCV004619428.1).

ClinVar aggregate classification (germline): Uncertain significance (1 of 4 stars; one submission).

Conditions:
Inborn genetic diseases. Identifiers: MedGen C0950123, MeSH D030342.

Submission:

Ambry Genetics
Classification: Uncertain significance for Inborn genetic diseases. Last evaluated: 2025-09-16. Review status: criteria provided, single submitter. Criteria: Ambry Variant Classification Scheme 2023. Collection method: clinical testing. Allele origin: germline.
Comment: The p.S1917C variant (also known as c.5749A>T), located in coding exon 22 of the FANCM gene, results from an A to T substitution at nucleotide position 5749. The serine at codon 1917 is replaced by cysteine, an amino acid with dissimilar properties. This amino acid position is conserved. In addition, this alteration is predicted to be tolerated by in silico analysis. Based on the available evidence, the clinical significance of this variant remains unclear.